The following is an entry in ClinVar:

NM_000222.3(KIT):c.2834del (p.Asn945fs)

Gene: KIT (KIT proto-oncogene, receptor tyrosine kinase; plus strand). Cytogenetic location: 4q12.
Variant type: Deletion.
Coding change: c.2834del on transcript NM_000222.3 (MANE Select); coding-DNA position 2834, one base deleted (A; older notation c.2834delA).
Protein change: p.Asn945fs; shifts the reading frame from asparagine 945.
Molecular consequence: frameshift variant.
Genome position (GRCh38, 1-based): chr4:54,738,460, A deleted; the last of 2 consecutive A bases (chr4:54,738,459-54,738,460); deleting either gives the same sequence. VCF-style (leftmost placement, unchanged base first): chr4-54738458-CA-C. GRCh37 (hg19) VCF-style: chr4-55604624-CA-C.
Other names: c.2822del, p.Asn941fs (NM_001093772.2, NM_001385292.1); c.2837del, p.Asn946fs (NM_001385284.1); c.2831del, p.Asn944fs (NM_001385285.1); c.2819del, p.Asn940fs (NM_001385286.1); c.2825del, p.Asn942fs (NM_001385288.1); c.2834del, p.Asn945fs (NM_001385290.1); c.2834delA (NM_000222.2); short protein forms N941fs, N945fs, N940fs, N942fs, N944fs, N946fs.
Identifiers: ClinVar variation 458933 (VCV000458933.13), dbSNP rs1553893797, ClinGen allele CA658655856.
Genomic context (GRCh38, chr4:54,738,458, plus strand): 5'-GCTGTATTGACTATGGGCTTGTTTTCTCCAGATTTACTCCAACTTAGCAAACTGCAGCCC[CA>C]ACCGACAGAAGCCCGTGGTAGACCATTCTGTGCGGATCAATTCTGTCGGCAGCACCGCTT-3'

ClinVar aggregate classification (germline): Uncertain significance. Review status: criteria provided, multiple submitters, no conflicts (2 of 4 stars). 2 submissions from 2 submitters: Uncertain significance (2). Last evaluated 2025-07-30.

Conditions:
Hereditary cancer-predisposing syndrome. Also called: Tumor predisposition; Hereditary neoplastic syndrome; Neoplastic Syndromes, Hereditary; Hereditary Cancer Syndrome. Identifiers: Orphanet 140162, MedGen C0027672, MeSH D009386, MONDO:0015356.
Gastrointestinal stromal tumor. Also called: Gastrointestinal stroma tumor; Gastrointestinal stromal tumor, somatic. Identifiers: Orphanet 44890, MedGen C0238198, MeSH D046152, MONDO:0011719, OMIM 606764, HP:0100723.

Submissions (2):

Labcorp Genetics (formerly Invitae), Labcorp
Classification: Uncertain significance for Gastrointestinal stromal tumor. Last evaluated: 2025-07-30. Review status: criteria provided, single submitter. Criteria: Invitae Variant Classification Sherloc (09022015). Collection method: clinical testing. Allele origin: germline.
Comment: This sequence change creates a premature translational stop signal (p.Asn945Thrfs*7) in the KIT gene. While this is not anticipated to result in nonsense mediated decay, it is expected to disrupt the last 32 amino acid(s) of the KIT protein. This variant is not present in population databases (gnomAD no frequency). This variant has not been reported in the literature in individuals affected with KIT-related conditions. ClinVar contains an entry for this variant (Variation ID: 458933). Experimental studies and prediction algorithms are not available or were not evaluated, and the functional significance of this variant is currently unknown. In summary, the available evidence is currently insufficient to determine the role of this variant in disease. Therefore, it has been classified as a Variant of Uncertain Significance.

Ambry Genetics
Classification: Uncertain significance for Hereditary cancer-predisposing syndrome. Last evaluated: 2025-06-26. Review status: criteria provided, single submitter. Criteria: Ambry Variant Classification Scheme 2023. Collection method: clinical testing. Allele origin: germline.
Comment: The c.2834delA variant, located in coding exon 21 of the KIT gene, results from a deletion of one nucleotide at nucleotide position 2834, causing a translational frameshift with a predicted alternate stop codon (p.N945Tfs*7). This alteration occurs at the 3' terminus of theKIT gene, is not expected to trigger nonsense-mediated mRNAdecay, and impacts the last 3.3% of the protein. The exact functional effect of this alteration is unknown. Based on the available evidence, the clinical significance of this variant remains unclear.